The following is an entry in ClinVar:

ClinVar aggregate classification (germline): Benign/Likely benign. Review status: criteria provided, multiple submitters, no conflicts (2 of 4 stars). 4 submissions from 4 submitters: Benign (3); Likely benign (1). Last evaluated 2026-01-18.

Allele frequency attached by ClinVar (database versions not stated): gnomAD exomes 0.00056 and 0.00151; ExAC 0.00287; gnomAD 0.00622 and 0.00662; 1000 Genomes Project 0.00659; TOPMed 0.00659; ESP Exome Variant Server 0.00669; 1000 Genomes Project 30x 0.00671.
gnomAD v4.1: 1,777 of 1,606,344 alleles (0.11%); highest among the groups gnomAD compares: African/African-American, 2.1%; 21 homozygotes.

Submissions (4):

Labcorp Genetics (formerly Invitae), Labcorp
Classification: Benign. Last evaluated: 2026-01-18. Review status: criteria provided, single submitter. Criteria: Invitae Variant Classification Sherloc (09022015). Collection method: clinical testing. Allele origin: germline.

Athena Diagnostics
Classification: Benign. Last evaluated: 2025-08-20. Review status: criteria provided, single submitter. Criteria: Athena Diagnostics Criteria. Collection method: clinical testing. Allele origin: unknown.
Comment: The frequency of this variant in the general population is higher than would generally be expected for pathogenic variants in this gene.

ARUP Laboratories, Molecular Genetics and Genomics, ARUP Laboratories
Classification: Benign. Last evaluated: 2025-06-20. Review status: criteria provided, single submitter. Criteria: ARUP Molecular Germline Variant Investigation Process 2024. Collection method: clinical testing. Allele origin: germline.

GeneDx
Classification: Likely benign. Last evaluated: 2024-06-30. Review status: criteria provided, single submitter. Criteria: GeneDx Variant Classification Process June 2021. Collection method: clinical testing. Allele origin: germline. Affected: yes.
Comment: See Variant Classification Assertion Criteria.

NM_005529.7(HSPG2):c.3967C>G (p.Leu1323Val)

Gene: HSPG2 (heparan sulfate proteoglycan 2; minus strand). Cytogenetic location: 1p36.12.
Variant type: single nucleotide variant.
Coding change: c.3967C>G on transcript NM_005529.7 (MANE Select); coding-DNA position 3967, C replaced by G.
Protein change: p.Leu1323Val; replaces leucine 1323 with valine.
Molecular consequence: missense variant.
Genome position (GRCh38, 1-based): chr1:21,872,682, G>C on the plus strand (C>G on the coding strand, the complement: HSPG2 is on the minus strand). VCF-style: chr1-21872682-G-C. GRCh37 (hg19) VCF-style: chr1-22199175-G-C.
Other names: c.3970C>G, p.Leu1324Val (NM_001291860.2); short protein forms L1323V, L1324V.
Identifiers: ClinVar variation 724702 (VCV000724702.27), dbSNP rs10917058, ClinGen allele CA672412.